The following is an entry in ClinVar:

NM_000090.4(COL3A1):c.644C>G (p.Pro215Arg)

Gene: COL3A1 (collagen type III alpha 1 chain; plus strand). Cytogenetic location: 2q32.2.
Variant type: single nucleotide variant.
Coding change: c.644C>G on transcript NM_000090.4 (MANE Select); coding-DNA position 644, C replaced by G.
Protein change: p.Pro215Arg; replaces proline 215 with arginine.
Molecular consequence: missense variant.
Genome position (GRCh38, 1-based): chr2:188,989,403, C>G. VCF-style: chr2-188989403-C-G. GRCh37 (hg19) VCF-style: chr2-189854129-C-G.
Other names: short protein forms P215R.
Identifiers: ClinVar variation 3069460 (VCV003069460.2), dbSNP rs1431670813, ClinGen allele CA349848762.

ClinVar aggregate classification (germline): Uncertain significance. Review status: criteria provided, multiple submitters, no conflicts (2 of 4 stars). 2 submissions from 2 submitters: Uncertain significance (2). Last evaluated 2024-02-15.

Conditions:
Ehlers-Danlos syndrome, type 4 (EDSVASC). Also called: Ehlers-Danlos Syndrome Type IV; Ehlers-Danlos syndrome vascular type; Ehlers Danlos syndrome, ecchymotic type; Ehlers Danlos syndrome, arterial type; Ehlers Danlos syndrome, Sack-Barabas type. Identifiers: Orphanet 286, MedGen C0268338, MONDO:0017314, OMIM 130050.
Polymicrogyria with or without vascular-type Ehlers-Danlos syndrome. Identifiers: Orphanet 636941, MedGen C5193040, MONDO:0032688, OMIM 618343.

gnomAD v4.1: 1 of 1,602,588 alleles (0.000062%); highest among the groups gnomAD compares: Admixed American, 0.0017%; no homozygotes.

Submissions (2):

Fulgent Genetics
Classification: Uncertain significance for Ehlers-Danlos syndrome, type 4; Polymicrogyria with or without vascular-type Ehlers-Danlos syndrome. Last evaluated: 2024-02-15. Review status: criteria provided, single submitter. Criteria: ACMG Guidelines, 2015. Collection method: clinical testing. Allele origin: germline.

All of Us Research Program, National Institutes of Health
Classification: Uncertain significance for Ehlers-Danlos syndrome, type 4. Last evaluated: 2023-03-04. Review status: criteria provided, single submitter. Criteria: ACMG Guidelines, 2015. Collection method: clinical testing. Allele origin: germline. Inheritance: Autosomal dominant inheritance. Observed: 1 variant allele, 1 heterozygote.
Comment: This study involves interpretation of variants in research participants for the purpose of population health screening. Participant phenotype was not available at the time of variant classification. Additional details can be found in publication PMID: 35346344, PMCID: PMC8962531